The following is an entry in ClinVar:

NM_007294.4(BRCA1):c.4596_4597insCT (p.Asp1533fs)

Gene: BRCA1 (BRCA1 DNA repair associated; minus strand). Cytogenetic location: 17q21.31.
Variant type: Insertion.
Coding change: c.4596_4597insCT on transcript NM_007294.4 (MANE Select); coding-DNA positions 4596 to 4597, CT inserted.
Protein change: p.Asp1533fs; shifts the reading frame from aspartic acid 1533.
Molecular consequence: frameshift variant. On other transcripts: non-coding transcript variant (1).
Genome position: GRCh38 VCF-style: chr17-43074409-C-CAG. GRCh37 (hg19) VCF-style: chr17-41226426-C-CAG.
Other names: c.4596_4597insCT, p.Asp1533fs (NM_007294.3); c.4382_4383insTC, p.Asp1462Leufs (NM_001407571.1, NM_001407894.1, NM_001407895.1 and 12 more transcripts); c.4661_4662insTC, p.Asp1555Leufs (NM_001407581.1, NM_001407582.1); c.4658_4659insTC, p.Asp1554Leufs (NM_001407583.1, NM_001407585.1, NM_001407587.1); c.4655_4656insTC, p.Asp1553Leufs (NM_001407590.1, NM_001407591.1); c.4595_4596insTC, p.Asp1533Leufs (NM_001407593.1, NM_001407594.1, NM_001407596.1 and 8 more transcripts); c.4592_4593insTC, p.Asp1532Leufs (NM_001407610.1, NM_001407611.1, NM_001407612.1 and 17 more transcripts); c.4589_4590insTC, p.Asp1531Leufs (NM_001407627.1, NM_001407628.1, NM_001407629.1 and 14 more transcripts); and 72 more; short protein forms D1533fs, D1554fs, D1486fs, D429fs.
Identifiers: ClinVar variation 548312 (VCV000548312.2), dbSNP rs1555581894, ClinGen allele CA658825013.

ClinVar aggregate classification (germline): Pathogenic (3 of 4 stars; one submission).

Conditions:
Breast-ovarian cancer, familial, susceptibility to, 1 (BROVCA1). Also called: BRCA1 Hereditary Breast and Ovarian Cancer; OVARIAN CANCER, SUSCEPTIBILITY TO. Identifiers: Orphanet 145, MedGen C2676676, MONDO:0011450, OMIM 604370. Disease mechanism: loss of function.

Submission:

Evidence-based Network for the Interpretation of Germline Mutant Alleles (ENIGMA)
Classification: Pathogenic for Breast-ovarian cancer, familial, susceptibility to, 1. Last evaluated: 2017-12-15. Review status: reviewed by expert panel. Criteria: ENIGMA BRCA1/2 Classification Criteria (2017-06-29). Collection method: curation. Allele origin: germline. Study: ENIGMA.
Comment: Variant allele predicted to encode a truncated non-functional protein.